The following is an entry in ClinVar:

ClinVar aggregate classification (germline): Uncertain significance. Review status: criteria provided, multiple submitters, no conflicts (2 of 4 stars). 7 submissions from 7 submitters: Uncertain significance (7). Last evaluated 2025-12-24.

Conditions:
DICER1-related disorder. Also called: DICER1-related condition.
Global developmental delay - lung cysts - overgrowth - Wilms tumor syndrome. Also called: GLOBAL DEVELOPMENTAL DELAY, LUNG CYSTS, OVERGROWTH, AND WILMS TUMOR; GLOW Syndrome. Identifiers: Orphanet 404476, MedGen C4748924, MONDO:0018445, OMIM 618272.
Pleuropulmonary blastoma (PPB). Identifiers: Orphanet 64742, MedGen C1266144, MONDO:0011014, OMIM 601200, HP:0100528.
Rhabdomyosarcoma, embryonal, 2 (RMSE2). Identifiers: MedGen C1867234, MONDO:0859046, OMIM 180295.
Euthyroid goiter (MNG1). Also called: GOITER, NONTOXIC, WITH INTRATHYROIDAL CALCIFICATION; Goiter, multinodular 1, with or without Sertoli-Leydig cell tumors; SIMPLE GOITER; MULTINODULAR GOITER, ADOLESCENT. Identifiers: Orphanet 276399, MedGen C0302859, MONDO:0007681, OMIM 138800, HP:0009798.
DICER1-related tumor predisposition. Also called: DICER1 syndrome; DICER1-related pleuropulmonary blastoma cancer predisposition syndrome. Identifiers: Orphanet 284343, MedGen C3839822, MONDO:0100216.
Hereditary cancer-predisposing syndrome. Also called: Neoplastic Syndromes, Hereditary; Hereditary Cancer Syndrome; Tumor predisposition; Hereditary neoplastic syndrome. Identifiers: Orphanet 140162, MedGen C0027672, MeSH D009386, MONDO:0015356.

Allele frequency attached by ClinVar (database versions not stated): gnomAD exomes below 0.00001; gnomAD 0.00001; TOPMed 0.00001; ExAC 0.00002.
gnomAD v4.1: 5 of 1,612,564 alleles (0.00031%); highest among the groups gnomAD compares: Admixed American, 0.005%; no homozygotes.

Submissions (7):

Labcorp Genetics (formerly Invitae), Labcorp
Classification: Uncertain significance for DICER1-related tumor predisposition. Last evaluated: 2025-12-24. Review status: criteria provided, single submitter. Criteria: Invitae Variant Classification Sherloc (09022015). Collection method: clinical testing. Allele origin: germline.
Comment: This sequence change replaces serine, which is neutral and polar, with asparagine, which is neutral and polar, at codon 911 of the DICER1 protein (p.Ser911Asn). This variant is present in population databases (rs771697618, gnomAD 0.003%). This variant has not been reported in the literature in individuals affected with DICER1-related conditions. ClinVar contains an entry for this variant (Variation ID: 477117). Invitae Evidence Modeling of protein sequence and biophysical properties (such as structural, functional, and spatial information, amino acid conservation, physicochemical variation, residue mobility, and thermodynamic stability) indicates that this missense variant is not expected to disrupt DICER1 protein function with a negative predictive value of 95%. In summary, the available evidence is currently insufficient to determine the role of this variant in disease. Therefore, it has been classified as a Variant of Uncertain Significance.

PreventionGenetics, part of Exact Sciences
Classification: Uncertain significance for DICER1-related condition. Last evaluated: 2025-12-23. Review status: criteria provided, single submitter. Criteria: ACMG Guidelines, 2015. Collection method: clinical testing. Allele origin: germline.
Comment: The DICER1 c.2732G>A variant is predicted to result in the amino acid substitution p.Ser911Asn. To our knowledge, this variant has not been reported in the literature. This variant is reported in 0.0028% of alleles in individuals of Latino descent in gnomAD. This variant is interpreted as uncertain in ClinVar (Variation ID: 477117). At this time, the clinical significance of this variant is uncertain due to the absence of conclusive functional and genetic evidence.

Ambry Genetics
Classification: Uncertain significance for Hereditary cancer-predisposing syndrome. Last evaluated: 2025-10-01. Review status: criteria provided, single submitter. Criteria: Ambry Variant Classification Scheme 2023. Collection method: clinical testing. Allele origin: germline.
Comment: The p.S911N variant (also known as c.2732G>A), located in coding exon 16 of the DICER1 gene, results from a G to A substitution at nucleotide position 2732. The serine at codon 911 is replaced by asparagine, an amino acid with highly similar properties. This amino acid position is not well conserved in available vertebrate species. In addition, this alteration is predicted to be tolerated by in silico analysis. Since supporting evidence is limited at this time, the clinical significance of this alteration remains unclear.

Quest Diagnostics Nichols Institute San Juan Capistrano
Classification: Uncertain significance. Last evaluated: 2025-01-10. Review status: criteria provided, single submitter. Criteria: Quest Diagnostics criteria. Collection method: clinical testing. Allele origin: unknown.
Comment: The DICER1 c.2732G>A (p.Ser911Asn) variant has not been reported in individuals with DICER1-related conditions in the published literature. The frequency of this variant in the general population (Genome Aggregation Database) is uninformative in the assessment of its pathogenicity. Analysis of this variant using bioinformatics tools for the prediction of the effect of amino acid changes on protein structure and function yielded predictions that this variant is benign. Based on the available information, we are unable to determine the clinical significance of this variant.

Fulgent Genetics
Classification: Uncertain significance for Euthyroid goiter; Rhabdomyosarcoma, embryonal, 2; Pleuropulmonary blastoma; Global developmental delay - lung cysts - overgrowth - Wilms tumor syndrome. Last evaluated: 2024-06-12. Review status: criteria provided, single submitter. Criteria: ACMG Guidelines, 2015. Collection method: clinical testing. Allele origin: germline.

GeneDx
Classification: Uncertain significance. Last evaluated: 2023-11-06. Review status: criteria provided, single submitter. Criteria: GeneDx Variant Classification Process June 2021. Collection method: clinical testing. Allele origin: germline. Affected: yes.
Comment: Not observed at significant frequency in large population cohorts (gnomAD); In silico analysis supports that this missense variant does not alter protein structure/function; Has not been previously published as pathogenic or benign to our knowledge

Sema4
Classification: Uncertain significance for Hereditary cancer-predisposing syndrome. Last evaluated: 2021-04-23. Review status: criteria provided, single submitter. Criteria: Sema4 Curation Guidelines. Collection method: curation. Allele origin: germline.
Comment: The DICER1 c.2732G>A (p.S911N) variant has not been reported in the literature to our knowledge. It was observed in 1/35434 chromosomes of the Latino subpopulation in the large and broad cohorts of the Genome Aggregation Database (PMID: 32461654). The variant has been reported in ClinVar (Variation ID: 477117). In silico tools suggest the impact of the variant on protein function is benign, though these predictions have not been confirmed by functional studies. The evidence is insufficient to meet ACMG/AMP criteria for classifying the variant as benign or pathogenic. Thus, the clinical significance of this variant is currently uncertain.

NM_177438.3(DICER1):c.2732G>A (p.Ser911Asn)

Gene: DICER1 (dicer 1, ribonuclease III; minus strand). Cytogenetic location: 14q32.13.
Variant type: single nucleotide variant.
Coding change: c.2732G>A on transcript NM_177438.3 (MANE Select); coding-DNA position 2732, G replaced by A.
Protein change: p.Ser911Asn; replaces serine 911 with asparagine.
Molecular consequence: missense variant.
Genome position (GRCh38, 1-based): chr14:95,107,680, C>T on the plus strand (G>A on the coding strand, the complement: DICER1 is on the minus strand). VCF-style: chr14-95107680-C-T. GRCh37 (hg19) VCF-style: chr14-95574017-C-T.
Other names: c.2732G>A, p.Ser911Asn (NM_001195573.1, NM_001271282.3, NM_001291628.2 and 1 more transcripts); short protein forms S911N.
Identifiers: ClinVar variation 477117 (VCV000477117.20), dbSNP rs771697618, ClinGen allele CA7331187.